The following is an entry in ClinVar:

ClinVar aggregate classification (germline): Uncertain significance (1 of 4 stars; one submission).

Conditions:
Intellectual developmental disorder, autosomal dominant 30, with speech delay and behavioral abnormalities. Also called: Intellectual disability, autosomal dominant 30. Identifiers: Orphanet 436151, MedGen C4015167, MONDO:0014486, OMIM 616083.

Submission:

Dasa
Classification: Uncertain significance for Intellectual developmental disorder, autosomal dominant 30, with speech delay and behavioral abnormalities. Last evaluated: 2025-12-04. Review status: criteria provided, single submitter. Criteria: DASA Assertion Criteria. Collection method: clinical testing. Allele origin: germline.
Comment: NM_001370100.5(ZMYND11):c.728T>G (p.Met243Arg) is a missense variant that results in the substitution of methionine with arginine. This variant is absent from population databases. Computational prediction algorithms are consistent with a benign effect. The currently available literature and clinical evidence are not sufficient to establish a definitive association between this variant and the reported condition. Therefore, this variant is classified as a variant of uncertain significance.

NM_001370100.5(ZMYND11):c.728T>G (p.Met243Arg)

Gene: ZMYND11 (zinc finger MYND-type containing 11; plus strand). Cytogenetic location: 10p15.3.
Variant type: single nucleotide variant.
Coding change: c.728T>G on transcript NM_001370100.5 (MANE Select); coding-DNA position 728, T replaced by G.
Protein change: p.Met243Arg; replaces methionine 243 with arginine.
Molecular consequence: missense variant. On other transcripts: intron variant (2).
Genome position (GRCh38, 1-based): chr10:240,086, T>G. VCF-style: chr10-240086-T-G. GRCh37 (hg19) VCF-style: chr10-286026-T-G.
Other names: c.566T>G, p.Met189Arg (NM_001202464.3, NM_001202467.1, NM_001370103.2 and 6 more transcripts); c.473T>G, p.Met158Arg (NM_001202465.3, NM_001370110.2); c.563T>G, p.Met188Arg (NM_001202466.3, NM_001370111.2); c.728T>G, p.Met243Arg (NM_001202468.1, NM_001370097.3, NM_001370098.2 and 6 more transcripts); c.677T>G, p.Met226Arg (NM_001330057.3, NM_001370112.2); c.635T>G, p.Met212Arg (NM_001370113.2, NM_001370114.2); c.725T>G, p.Met242Arg (NM_001370115.2, NM_212479.4); c.662T>G, p.Met221Arg (NM_001370116.2); and 6 more; short protein forms M149R, M158R, M167R, M188R, M189R, M203R, M212R, M221R.
Identifiers: ClinVar variation 4880871 (VCV004880871.2).